The following is an entry in ClinVar:

ClinVar aggregate classification (germline): Uncertain significance (1 of 4 stars; one submission).

Allele frequency attached by ClinVar (database versions not stated): gnomAD exomes below 0.00001.
gnomAD v4.1: 4 of 1,614,108 alleles (0.00025%); highest among the groups gnomAD compares: Non-Finnish European, 0.00034%; no homozygotes.

Submission:

Labcorp Genetics (formerly Invitae), Labcorp
Classification: Uncertain significance. Last evaluated: 2023-06-19. Review status: criteria provided, single submitter. Criteria: Invitae Variant Classification Sherloc (09022015). Collection method: clinical testing. Allele origin: germline.
Comment: This variant is not present in population databases (gnomAD no frequency). This variant has not been reported in the literature in individuals affected with WNK4-related conditions. ClinVar contains an entry for this variant (Variation ID: 2120525). Advanced modeling of protein sequence and biophysical properties (such as structural, functional, and spatial information, amino acid conservation, physicochemical variation, residue mobility, and thermodynamic stability) performed at Invitae indicates that this missense variant is expected to disrupt WNK4 protein function. In summary, the available evidence is currently insufficient to determine the role of this variant in disease. Therefore, it has been classified as a Variant of Uncertain Significance. This sequence change replaces serine, which is neutral and polar, with proline, which is neutral and non-polar, at codon 184 of the WNK4 protein (p.Ser184Pro).

NM_032387.5(WNK4):c.550T>C (p.Ser184Pro)

Gene: WNK4 (WNK lysine deficient protein kinase 4; plus strand). Cytogenetic location: 17q21.2.
Variant type: single nucleotide variant.
Coding change: c.550T>C on transcript NM_032387.5 (MANE Select); coding-DNA position 550, T replaced by C.
Protein change: p.Ser184Pro; replaces serine 184 with proline.
Molecular consequence: missense variant. On other transcripts: 5 prime UTR variant (1).
Genome position (GRCh38, 1-based): chr17:42,781,248, T>C. VCF-style: chr17-42781248-T-C. GRCh37 (hg19) VCF-style: chr17-40933266-T-C.
Other names: c.-370T>C (NM_001321299.2); short protein forms S184P.
Identifiers: ClinVar variation 2120525 (VCV002120525.4), dbSNP rs2543979265, ClinGen allele CA399645574.